The following is an entry in ClinVar:

NM_000642.3(AGL):c.1874C>T (p.Thr625Met)

Gene: AGL (amylo-alpha-1,6-glucosidase and 4-alpha-glucanotransferase; plus strand). Cytogenetic location: 1p21.2.
Variant type: single nucleotide variant.
Coding change: c.1874C>T on transcript NM_000642.3 (MANE Select); coding-DNA position 1874, C replaced by T.
Protein change: p.Thr625Met; replaces threonine 625 with methionine.
Molecular consequence: missense variant.
Genome position (GRCh38, 1-based): chr1:99,880,770, C>T. VCF-style: chr1-99880770-C-T. GRCh37 (hg19) VCF-style: chr1-100346326-C-T.
Other names: c.1874C>T, p.Thr625Met (NM_000028.3, NM_000643.3, NM_000644.3 and 2 more transcripts); c.1826C>T, p.Thr609Met (NM_000646.3); c.1673C>T, p.Thr558Met (NM_001425327.1); c.1670C>T, p.Thr557Met (NM_001425328.1, NM_001425329.1); c.1496C>T, p.Thr499Met (NM_001425332.1); short protein forms T625M, T609M, T499M, T557M, T558M.
Identifiers: ClinVar variation 572835 (VCV000572835.9), dbSNP rs147569805, ClinGen allele CA966608.

ClinVar aggregate classification (germline): Uncertain significance. Review status: criteria provided, multiple submitters, no conflicts (2 of 4 stars). 4 submissions from 4 submitters: Uncertain significance (3). 1 of the submissions does not count toward it. Last evaluated 2022-08-18.

Conditions:
Glycogen storage disease type III (GSD3). Also called: FORBES DISEASE; Cori disease. Identifiers: Orphanet 366, MedGen C0017922, MONDO:0009291, OMIM 232400.

Allele frequency attached by ClinVar (database versions not stated): gnomAD 0.00001; gnomAD exomes 0.00001; TOPMed 0.00001; ExAC 0.00002; ESP Exome Variant Server 0.00008.
gnomAD v4.1: 22 of 1,613,822 alleles (0.0014%); highest among the groups gnomAD compares: African/African-American, 0.0027%; no homozygotes.

Submissions (4):

Blueprint Genetics
Classification: Uncertain significance. Last evaluated: 2022-08-18. Review status: criteria provided, single submitter. Criteria: ACMG Guidelines, 2015. Collection method: clinical testing. Allele origin: germline.

Labcorp Genetics (formerly Invitae), Labcorp
Classification: Uncertain significance for Glycogen storage disease type III. Last evaluated: 2021-08-28. Review status: criteria provided, single submitter. Criteria: Invitae Variant Classification Sherloc (09022015). Collection method: clinical testing. Allele origin: germline.
Comment: This sequence change replaces threonine with methionine at codon 625 of the AGL protein (p.Thr625Met). The threonine residue is moderately conserved and there is a moderate physicochemical difference between threonine and methionine. This variant is present in population databases (rs147569805, ExAC 0.003%). This variant has not been reported in the literature in individuals affected with AGL-related conditions. Algorithms developed to predict the effect of missense changes on protein structure and function are either unavailable or do not agree on the potential impact of this missense change (SIFT: "Deleterious"; PolyPhen-2: "Probably Damaging"; Align-GVGD: "Class C0"). In summary, the available evidence is currently insufficient to determine the role of this variant in disease. Therefore, it has been classified as a Variant of Uncertain Significance.

Neuberg Centre For Genomic Medicine, NCGM
Classification: Uncertain significance for Glycogen storage disease type III. Review status: criteria provided, single submitter. Criteria: ACMG Guidelines, 2015. Collection method: clinical testing. Allele origin: germline. Inheritance: Autosomal recessive inheritance. Affected: yes.
Comment: The missense variant c.1874C>Tp.Thr625Met in AGL gene has not been reported previously as a pathogenic variant nor as a benign variant, to our knowledge. The variant is reported with 0.001% allele frequency in gnomAD Exomes and is novel not in any individuals in 1000 Genomes. This variant has been reported to the ClinVar database as Uncertain Significance. However, study on multiple affected individuals and functional impact of the variant is not available. The amino acid Threonine at position 625 is changed to a Methionine changing protein sequence and it might alter its composition and physico-chemical properties. The variant is predicted to be damaging by SIFT. The amino acid change p.Thr625Met in AGL is predicted as conserved by GERP++ and PhyloP across 100 vertebrates. For these reasons, this variant has been classified as Uncertain Significance.

Natera, Inc.
Classification: Uncertain significance for Glycogen storage disease type III. Last evaluated: 2020-03-08. Review status: no assertion criteria provided. Collection method: clinical testing. Allele origin: germline. Not counted in ClinVar's aggregate classification.